The following is an entry in ClinVar:

ClinVar aggregate classification (germline): Uncertain significance. Review status: criteria provided, multiple submitters, no conflicts (2 of 4 stars). 2 submissions from 2 submitters: Uncertain significance (2). Last evaluated 2025-12-15.

Conditions:
Inborn genetic diseases. Identifiers: MedGen C0950123, MeSH D030342.

gnomAD v4.1: 37 of 1,613,896 alleles (0.0023%); highest among the groups gnomAD compares: Non-Finnish European, 0.0031%; no homozygotes.

Submissions (2):

Ambry Genetics
Classification: Uncertain significance for Inborn genetic diseases. Last evaluated: 2025-12-15. Review status: criteria provided, single submitter. Criteria: Ambry Variant Classification Scheme 2023. Collection method: clinical testing. Allele origin: germline.

Labcorp Genetics (formerly Invitae), Labcorp
Classification: Uncertain significance. Last evaluated: 2025-08-29. Review status: criteria provided, single submitter. Criteria: Invitae Variant Classification Sherloc (09022015). Collection method: clinical testing. Allele origin: germline.
Comment: This sequence change replaces proline, which is neutral and non-polar, with arginine, which is basic and polar, at codon 129 of the GCM2 protein (p.Pro129Arg). This variant is present in population databases (rs761079176, gnomAD 0.002%). This variant has not been reported in the literature in individuals affected with GCM2-related conditions. Invitae Evidence Modeling of protein sequence and biophysical properties (such as structural, functional, and spatial information, amino acid conservation, physicochemical variation, residue mobility, and thermodynamic stability) indicates that this missense variant is expected to disrupt GCM2 protein function with a positive predictive value of 80%. In summary, the available evidence is currently insufficient to determine the role of this variant in disease. Therefore, it has been classified as a Variant of Uncertain Significance.

NM_004752.4(GCM2):c.386C>G (p.Pro129Arg)

Gene: GCM2 (glial cells missing transcription factor 2; minus strand). Cytogenetic location: 6p24.2.
Variant type: single nucleotide variant.
Coding change: c.386C>G on transcript NM_004752.4 (MANE Select); coding-DNA position 386, C replaced by G.
Protein change: p.Pro129Arg; replaces proline 129 with arginine.
Molecular consequence: missense variant.
Genome position (GRCh38, 1-based): chr6:10,876,515, G>C on the plus strand (C>G on the coding strand, the complement: GCM2 is on the minus strand). VCF-style: chr6-10876515-G-C. GRCh37 (hg19) VCF-style: chr6-10876748-G-C.
Other names: c.386C>G (NM_004752.3); short protein forms P129R.
Identifiers: ClinVar variation 4737308 (VCV004737308.2).